The following is an entry in ClinVar:

ClinVar aggregate classification (germline): Conflicting classifications of pathogenicity. Review status: criteria provided, conflicting classifications (1 of 4 stars). 6 submissions from 5 submitters: Likely pathogenic (5); Uncertain significance (1). Last evaluated 2024-05-18.

Conditions:
ERCC2-related disorder. Also called: ERCC2-related conditions; ERCC2-related condition; ERCC2-related disorders. Identifiers: MedGen CN239291.
Cerebrooculofacioskeletal syndrome 2 (COFS2). Identifiers: MedGen C1853102, MONDO:0012553, OMIM 610756.
Xeroderma pigmentosum, group D (XPD). Also called: XERODERMA PIGMENTOSUM, COMPLEMENTATION GROUP D; XERODERMA PIGMENTOSUM IV; XP, GROUP D; XP, GROUP H; ERCC2-Related Xeroderma Pigmentosum. Identifiers: MedGen C0268138, MONDO:0010212, OMIM 278730.
Trichothiodystrophy 1, photosensitive (TTD1). Also called: TAY SYNDROME; TRICHOTHIODYSTROPHY WITH CONGENITAL ICHTHYOSIS; PIBIDS SYNDROME. Identifiers: Orphanet 33364, MedGen C1866504, MONDO:0011125, OMIM 601675.

Allele frequency attached by ClinVar (database versions not stated): ExAC 0.00001; gnomAD exomes 0.00001; 1000 Genomes Project 30x 0.00031.
gnomAD v4.1: 25 of 1,613,788 alleles (0.0015%); highest among the groups gnomAD compares: Middle Eastern, 0.017%; no homozygotes.

Submissions (6):

Fulgent Genetics
Classification: Likely pathogenic for Xeroderma pigmentosum, group D; Trichothiodystrophy 1, photosensitive; Cerebrooculofacioskeletal syndrome 2. Last evaluated: 2024-05-18. Review status: criteria provided, single submitter. Criteria: ACMG Guidelines, 2015. Collection method: clinical testing. Allele origin: germline.

Women's Health and Genetics/Laboratory Corporation of America, LabCorp
Classification: Uncertain significance. Last evaluated: 2024-05-08. Review status: criteria provided, single submitter. Criteria: LabCorp Variant Classification Summary - May 2015. Collection method: clinical testing. Allele origin: germline.
Comment: Variant summary: ERCC2 c.334C>T (p.Arg112Cys) results in a non-conservative amino acid change in the encoded protein sequence. Five of five in-silico tools predict a damaging effect of the variant on protein function. The variant allele was found at a frequency of 8e-06 in 251240 control chromosomes. c.334C>T has been reported in the literature in one individuals affected with Xeroderma Pigmentosum (Zhou_2013). These data do not allow any conclusion about variant significance. To our knowledge, no experimental evidence demonstrating an impact on protein function has been reported. Additionally, at least one variant at the Arg112 residue has been reported as associated with disease in ClinVar (p.Arg112His), suggesting that this codon is functionally important. The following publication has been ascertained in the context of this evaluation (PMID: 23232694). ClinVar contains an entry for this variant (Variation ID: 1028731). Based on the evidence outlined above, the variant was classified as VUS-possibly pathogenic.

Baylor Genetics
Classification: Likely pathogenic for Cerebrooculofacioskeletal syndrome 2. Last evaluated: 2023-04-13. Review status: criteria provided, single submitter. Criteria: ACMG Guidelines, 2015. Collection method: clinical testing. Allele origin: unknown.

Blueprint Genetics
Classification: Likely pathogenic for ERCC2-related disorders. Last evaluated: 2022-10-20. Review status: criteria provided, single submitter. Criteria: ACMG Guidelines, 2015. Collection method: clinical testing. Allele origin: germline. Affected: yes. Observed: 1 variant allele.

Baylor Genetics
Classification: Likely pathogenic for Trichothiodystrophy 1, photosensitive. Last evaluated: 2020-04-27. Review status: criteria provided, single submitter. Criteria: ACMG Guidelines, 2015. Collection method: clinical testing. Allele origin: unknown. Affected: yes.
Comment: This variant was determined to be likely pathogenic according to ACMG Guidelines, 2015 [PMID:25741868].

Kariminejad - Najmabadi Pathology & Genetics Center
Classification: Likely pathogenic for Xeroderma pigmentosum, group D. Review status: criteria provided, single submitter. Criteria: ACMG Guidelines, 2015. Collection method: clinical testing. Allele origin: germline. Affected: no.

Literature cited by the submitters: PubMed 23232694 (cited by Women's Health and Genetics/Laboratory Corporation of America, LabCorp).

NM_000400.4(ERCC2):c.334C>T (p.Arg112Cys)

Gene: ERCC2 (ERCC excision repair 2, TFIIH core complex helicase subunit; minus strand). Cytogenetic location: 19q13.32.
Variant type: single nucleotide variant.
Coding change: c.334C>T on transcript NM_000400.4 (MANE Select); coding-DNA position 334, C replaced by T.
Protein change: p.Arg112Cys; replaces arginine 112 with cysteine.
Molecular consequence: missense variant.
Genome position (GRCh38, 1-based): chr19:45,368,656, G>A on the plus strand (C>T on the coding strand, the complement: ERCC2 is on the minus strand). VCF-style: chr19-45368656-G-A. GRCh37 (hg19) VCF-style: chr19-45871914-G-A.
Other names: c.262C>T, p.Arg88Cys (NM_001130867.2); short protein forms R88C, R112C.
Identifiers: ClinVar variation 1028731 (VCV001028731.6), dbSNP rs760820378, ClinGen allele CA9513829.